The following is an entry in ClinVar:

NM_004453.4(ETFDH):c.35-3C>A

Gene: ETFDH (electron transfer flavoprotein dehydrogenase; plus strand). Cytogenetic location: 4q32.1.
Variant type: single nucleotide variant.
Coding change: c.35-3C>A on transcript NM_004453.4 (MANE Select); 3 bases into the intron before coding-DNA position 35, C replaced by A.
Molecular consequence: intron variant.
Genome position (GRCh38, 1-based): chr4:158,680,464, C>A. VCF-style: chr4-158680464-C-A. GRCh37 (hg19) VCF-style: chr4-159601616-C-A.
Other names: c.35-1731C>A (NM_001281737.2).
Identifiers: ClinVar variation 459964 (VCV000459964.10), dbSNP rs1554031296, ClinGen allele CA658657405.
Genomic context (GRCh38, chr4:158,680,464, plus strand): 5'-TTTTCAGTCTACTGAGGAAAACTAATTTTAAGGAAGATAATAATTTTCGTAATTTTTGTG[C>A]AGCATATCAGTGCTTTCATGCCTTAAAAATTAAGAAAAATTATCTACCTCTATGTGCTAC-3'

ClinVar aggregate classification (germline): Uncertain significance. Review status: criteria provided, multiple submitters, no conflicts (2 of 4 stars). 2 submissions from 2 submitters: Uncertain significance (2). Last evaluated 2024-06-29.

Conditions:
Multiple acyl-CoA dehydrogenase deficiency (MADD). Also called: GA II; ETHYLMALONIC-ADIPICACIDURIA; Glutaric Acidemia type 2; Glutaric aciduria, type 2; Glutaric acidemia type II; GA 2. Identifiers: Orphanet 26791, MedGen C0268596, MONDO:0009282, OMIM 231680.

Submissions (2):

GeneDx
Classification: Uncertain significance. Last evaluated: 2024-06-29. Review status: criteria provided, single submitter. Criteria: GeneDx Variant Classification Process June 2021. Collection method: clinical testing. Allele origin: germline. Affected: yes.
Comment: Not observed at significant frequency in large population cohorts (gnomAD); In silico analysis supports a deleterious effect on splicing; Has not been previously published as pathogenic or benign to our knowledge

Labcorp Genetics (formerly Invitae), Labcorp
Classification: Uncertain significance for Multiple acyl-CoA dehydrogenase deficiency. Last evaluated: 2017-11-08. Review status: criteria provided, single submitter. Criteria: Invitae Variant Classification Sherloc (09022015). Collection method: clinical testing. Allele origin: germline.
Comment: This sequence change falls in intron 1 of the ETFDH gene. It does not directly change the encoded amino acid sequence of the ETFDH protein but it affects a nucleotide within the consensus splice site of the intron. In summary, this is a novel intronic change with uncertain impact on splicing. It has been classified as a Variant of Uncertain Significance. Algorithms developed to predict the effect of sequence changes on RNA splicing suggest that this variant may alter RNA splicing, but this prediction has not been confirmed by published transcriptional studies. This variant is not present in population databases (ExAC no frequency) and has not been reported in the literature in individuals with a ETFDH-related disease.